The following is an entry in ClinVar:

NM_001061.7(TBXAS1):c.333+4C>T

Gene: TBXAS1 (thromboxane A synthase 1; plus strand). Cytogenetic location: 7q34.
Variant type: single nucleotide variant.
Coding change: c.333+4C>T on transcript NM_001061.7 (MANE Select); 4 bases into the intron after coding-DNA position 333, C replaced by T.
Molecular consequence: intron variant.
Genome position (GRCh38, 1-based): chr7:139,911,325, C>T. VCF-style: chr7-139911325-C-T. GRCh37 (hg19) VCF-style: chr7-139611124-C-T.
Other names: c.333+4C>T (NM_001130966.5, NM_001166253.4, NM_030984.6 and 1 more transcripts); c.132+4C>T (NM_001166254.4); c.276+4C>T (NM_001314028.4); c.151-24866C>T (NM_001366537.3).
Identifiers: ClinVar variation 1511024 (VCV001511024.8), dbSNP rs5766, ClinGen allele CA4511572.
Genomic context (GRCh38, chr7:139,911,325, plus strand): 5'-CCAGACATGATCAAGCAGGTGTTGGTTGAGAACTTCAGTAACTTTACCAACAGAATGGTA[C>T]GTAGTTTTCTTTCCGCATATAGATGGATGGGGAATTGTTCTCAGATGGAGACACTGCATG-3'

ClinVar aggregate classification (germline): Conflicting classifications of pathogenicity. Review status: criteria provided, conflicting classifications (1 of 4 stars). 4 submissions from 4 submitters: Uncertain significance (2); Likely benign (2). Last evaluated 2026-01-14.

Conditions:
Intellectual disability. Also called: Intellectual functioning disability; intellectual disabilities; Intellectual developmental disorder. Identifiers: MedGen C3714756, MeSH D008607, MONDO:0001071, HP:0001249.

Allele frequency attached by ClinVar (database versions not stated): gnomAD exomes 0.00020; ExAC 0.00024; 1000 Genomes Project 0.00040; ESP Exome Variant Server 0.00054; 1000 Genomes Project 30x 0.00062.
gnomAD v4.1: 1,124 of 1,612,190 alleles (0.07%); highest among the groups gnomAD compares: Non-Finnish European, 0.092%; 1 homozygote.

Submissions (4):

Women's Health and Genetics/Laboratory Corporation of America, LabCorp
Classification: Uncertain significance. Last evaluated: 2026-01-14. Review status: criteria provided, single submitter. Criteria: LabCorp Variant Classification Summary - May 2015. Collection method: clinical testing. Allele origin: germline.
Comment: Variant summary: TBXAS1 c.333+4C>T alters a conserved nucleotide located close to a canonical splice site and therefore could affect mRNA splicing, leading to a significantly altered protein sequence. Consensus agreement among computation tools predict no significant impact on normal splicing. However, these predictions have yet to be confirmed by functional studies. The variant allele was found at a frequency of 0.0002 in 251414 control chromosomes. This frequency is not significantly higher than estimated for disease-causing variants in TBXAS1, allowing no conclusion about variant significance. To our knowledge, no occurrence of c.333+4C>T in individuals affected with TBXAS1-related conditions and no experimental evidence demonstrating its impact on protein function have been reported. ClinVar contains an entry for this variant (Variation ID: 1511024). Based on the evidence outlined above, the variant was classified as uncertain significance.

Blueprint Genetics
Classification: Likely benign. Last evaluated: 2024-10-28. Review status: criteria provided, single submitter. Criteria: ACMG Guidelines, 2015. Collection method: clinical testing. Allele origin: germline.

Labcorp Genetics (formerly Invitae), Labcorp
Classification: Uncertain significance. Last evaluated: 2022-07-21. Review status: criteria provided, single submitter. Criteria: Invitae Variant Classification Sherloc (09022015). Collection method: clinical testing. Allele origin: germline.
Comment: This sequence change falls in intron 4 of the TBXAS1 gene. It does not directly change the encoded amino acid sequence of the TBXAS1 protein. It affects a nucleotide within the consensus splice site. This variant is present in population databases (rs5766, gnomAD 0.04%). This variant has not been reported in the literature in individuals affected with TBXAS1-related conditions. ClinVar contains an entry for this variant (Variation ID: 1511024). Variants that disrupt the consensus splice site are a relatively common cause of aberrant splicing (PMID: 17576681, 9536098). Algorithms developed to predict the effect of sequence changes on RNA splicing suggest that this variant is not likely to affect RNA splicing. In summary, the available evidence is currently insufficient to determine the role of this variant in disease. Therefore, it has been classified as a Variant of Uncertain Significance.

Cambridge Genomics Laboratory, East Genomic Laboratory Hub, NHS Genomic Medicine Service
Classification: Likely benign for Intellectual disability. Last evaluated: 2019-11-12. Review status: criteria provided, single submitter. Criteria: ACGS Best Practice Guidelines for Variant Classification in Rare Disease 2020. Collection method: clinical testing. Allele origin: germline. Affected: yes. Observed: 1 variant allele.

Literature cited by the submitters: PubMed 17576681 (cited by Labcorp Genetics (formerly Invitae), Labcorp); PubMed 9536098 (cited by Labcorp Genetics (formerly Invitae), Labcorp).